The following is an entry in ClinVar:

ClinVar aggregate classification (germline): Likely pathogenic (1 of 4 stars; one submission).

gnomAD v4.1: 2 of 1,614,100 alleles (0.00012%); no homozygotes.

Submission:

GeneDx
Classification: Likely pathogenic. Last evaluated: 2026-02-12. Review status: criteria provided, single submitter. Criteria: GeneDx Variant Classification Process June 2021. Collection method: clinical testing. Allele origin: germline.
Comment: Not observed at significant frequency in large population cohorts (gnomAD); In silico analysis suggests that this missense variant does not alter protein structure/function; Has not been previously published as pathogenic or benign to our knowledge

NM_001393769.1(MED12L):c.6412C>T (p.Pro2138Ser)

Gene: MED12L (mediator complex subunit 12L; plus strand). Cytogenetic location: 3q25.1.
Variant type: single nucleotide variant.
Coding change: c.6412C>T on transcript NM_001393769.1 (MANE Select); coding-DNA position 6412, C replaced by T.
Protein change: p.Pro2138Ser; replaces proline 2138 with serine.
Molecular consequence: missense variant.
Genome position (GRCh38, 1-based): chr3:151,430,302, C>T. VCF-style: chr3-151430302-C-T. GRCh37 (hg19) VCF-style: chr3-151148090-C-T.
Other names: c.6307C>T, p.Pro2103Ser (NM_053002.6); short protein forms P2103S, P2138S.
Identifiers: ClinVar variation 4976699 (VCV004976699.1).